The following is an entry in ClinVar:

NM_005228.5(EGFR):c.2288C>T (p.Ala763Val)

Genes: EGFR-AS1 (EGFR antisense RNA 1; minus strand), EGFR (epidermal growth factor receptor; plus strand). Cytogenetic location: 7p11.2.
Variant type: single nucleotide variant.
Coding change: c.2288C>T on transcript NM_005228.5 (MANE Select); coding-DNA position 2288, C replaced by T.
Protein change: p.Ala763Val; replaces alanine 763 with valine.
Molecular consequence: missense variant. On other transcripts: non-coding transcript variant (1).
Genome position (GRCh38, 1-based): chr7:55,181,297, C>T. VCF-style: chr7-55181297-C-T. GRCh37 (hg19) VCF-style: chr7-55248990-C-T.
Other names: c.2153C>T, p.Ala718Val (NM_001346897.2, NM_001346899.2); c.2288C>T, p.Ala763Val (NM_001346898.2); c.2129C>T, p.Ala710Val (NM_001346900.2); c.1487C>T, p.Ala496Val (NM_001346941.2); c.2288C>T (NM_005228.3); short protein forms A710V, A763V, A496V, A718V.
Identifiers: ClinVar variation 1396969 (VCV001396969.7), dbSNP rs1476693500, ClinGen allele CA367578510.

ClinVar aggregate classification (germline): Uncertain significance. Review status: criteria provided, multiple submitters, no conflicts (2 of 4 stars). 2 submissions from 2 submitters: Uncertain significance (2). Last evaluated 2025-08-07.

Conditions:
Hereditary cancer-predisposing syndrome. Also called: Hereditary Cancer Syndrome; Hereditary neoplastic syndrome; Tumor predisposition; Neoplastic Syndromes, Hereditary. Identifiers: Orphanet 140162, MedGen C0027672, MeSH D009386, MONDO:0015356.
EGFR-related lung cancer (EGFR). Identifiers: MedGen CN130014.

Allele frequency attached by ClinVar (database versions not stated): gnomAD exomes below 0.00001.
gnomAD v4.1: 1 of 1,614,194 alleles (0.000062%); no homozygotes.

Submissions (2):

Ambry Genetics
Classification: Uncertain significance for Hereditary cancer-predisposing syndrome. Last evaluated: 2025-08-07. Review status: criteria provided, single submitter. Criteria: Ambry Variant Classification Scheme 2023. Collection method: clinical testing. Allele origin: germline.
Comment: The p.A763V variant (also known as c.2288C>T), located in coding exon 20 of the EGFR gene, results from a C to T substitution at nucleotide position 2288. The alanine at codon 763 is replaced by valine, an amino acid with similar properties. This amino acid position is highly conserved in available vertebrate species. In addition, the in silico prediction for this alteration is inconclusive. Based on the available evidence, the clinical significance of this variant remains unclear.

Labcorp Genetics (formerly Invitae), Labcorp
Classification: Uncertain significance for EGFR-related lung cancer. Last evaluated: 2023-05-10. Review status: criteria provided, single submitter. Criteria: Invitae Variant Classification Sherloc (09022015). Collection method: clinical testing. Allele origin: germline.
Comment: This sequence change replaces alanine, which is neutral and non-polar, with valine, which is neutral and non-polar, at codon 763 of the EGFR protein (p.Ala763Val). This variant is present in population databases (no rsID available, gnomAD 0.01%). In summary, the available evidence is currently insufficient to determine the role of this variant in disease. Therefore, it has been classified as a Variant of Uncertain Significance. Advanced modeling of protein sequence and biophysical properties (such as structural, functional, and spatial information, amino acid conservation, physicochemical variation, residue mobility, and thermodynamic stability) performed at Invitae indicates that this missense variant is expected to disrupt EGFR protein function. ClinVar contains an entry for this variant (Variation ID: 1396969). This variant has not been reported in the literature in individuals affected with EGFR-related conditions.